The following is an entry in ClinVar:

ClinVar aggregate classification (germline): Uncertain significance (1 of 4 stars; one submission).

Allele frequency attached by ClinVar (database versions not stated): gnomAD exomes below 0.00001; TOPMed below 0.00001.
gnomAD v4.1: 1 of 1,587,350 alleles (0.000063%); no homozygotes.

Submission:

Labcorp Genetics (formerly Invitae), Labcorp
Classification: Uncertain significance. Last evaluated: 2022-02-02. Review status: criteria provided, single submitter. Criteria: Invitae Variant Classification Sherloc (09022015). Collection method: clinical testing. Allele origin: germline.
Comment: In summary, the available evidence is currently insufficient to determine the role of this variant in disease. Therefore, it has been classified as a Variant of Uncertain Significance. Algorithms developed to predict the effect of missense changes on protein structure and function are either unavailable or do not agree on the potential impact of this missense change (SIFT: "Deleterious"; PolyPhen-2: "Possibly Damaging"; Align-GVGD: "Class C15"). This variant has not been reported in the literature in individuals affected with SCLT1-related conditions. This variant is present in population databases (no rsID available, gnomAD 0.0009%). This sequence change replaces alanine, which is neutral and non-polar, with aspartic acid, which is acidic and polar, at codon 231 of the SCLT1 protein (p.Ala231Asp).

NM_144643.4(SCLT1):c.692C>A (p.Ala231Asp)

Gene: SCLT1 (sodium channel and clathrin linker 1; minus strand). Cytogenetic location: 4q28.2.
Variant type: single nucleotide variant.
Coding change: c.692C>A on transcript NM_144643.4 (MANE Select); coding-DNA position 692, C replaced by A.
Protein change: p.Ala231Asp; replaces alanine 231 with aspartic acid.
Molecular consequence: missense variant.
Genome position (GRCh38, 1-based): chr4:128,970,463, G>T on the plus strand (C>A on the coding strand, the complement: SCLT1 is on the minus strand). VCF-style: chr4-128970463-G-T. GRCh37 (hg19) VCF-style: chr4-129891618-G-T.
Other names: short protein forms A231D.
Identifiers: ClinVar variation 1467057 (VCV001467057.8), dbSNP rs932573755, ClinGen allele CA105739440.